The following is an entry in ClinVar:

Conditions:
Breast-ovarian cancer, familial, susceptibility to, 1 (BROVCA1). Also called: BRCA1 Hereditary Breast and Ovarian Cancer; OVARIAN CANCER, SUSCEPTIBILITY TO. Identifiers: Orphanet 145, MedGen C2676676, MONDO:0011450, OMIM 604370. Disease mechanism: loss of function.

Submission:

Brotman Baty Institute, University of Washington
No classification provided (evidence only). Condition: Breast-ovarian cancer, familial 1. Review status: no classification provided. Collection method: in vitro. Allele origin: not applicable. Functional consequence: functionally_normal.
ClinVar note: "not provided" was previously submitted as the classification for the variant. However, the classification appeared to be based only on an observation of functional data so it was converted to no classification on 2025-07-30.

NM_007294.4(BRCA1):c.5450A>T (p.Glu1817Val)

Gene: BRCA1 (BRCA1 DNA repair associated; minus strand). Cytogenetic location: 17q21.31.
Variant type: single nucleotide variant.
Coding change: c.5450A>T on transcript NM_007294.4 (MANE Select); coding-DNA position 5450, A replaced by T.
Protein change: p.Glu1817Val; replaces glutamic acid 1817 with valine.
Molecular consequence: missense variant. On other transcripts: non-coding transcript variant (1).
Genome position (GRCh38, 1-based): chr17:43,047,660, T>A on the plus strand (A>T on the coding strand, the complement: BRCA1 is on the minus strand). VCF-style: chr17-43047660-T-A. GRCh37 (hg19) VCF-style: chr17-41199677-T-A.
Other names: c.5237A>T, p.Glu1746Val (NM_001407571.1, NM_001407907.1, NM_001407908.1 and 12 more transcripts); c.5516A>T, p.Glu1839Val (NM_001407581.1, NM_001407582.1); c.5513A>T, p.Glu1838Val (NM_001407583.1, NM_001407585.1, NM_001407587.1 and 1 more transcripts); c.5510A>T, p.Glu1837Val (NM_001407590.1, NM_001407591.1); c.5450A>T, p.Glu1817Val (NM_001407593.1, NM_001407594.1, NM_001407596.1 and 5 more transcripts); c.5447A>T, p.Glu1816Val (NM_001407614.1, NM_001407615.1, NM_001407616.1 and 14 more transcripts); c.5444A>T, p.Glu1815Val (NM_001407633.1, NM_001407634.1, NM_001407635.1 and 13 more transcripts); c.5372A>T, p.Glu1791Val (NM_001407655.1, NM_001407652.1, NM_001407653.1 and 1 more transcripts); and 83 more; short protein forms E1817V, R688S, E1770V, E1838V, E713V, E1521V, E1648V, E1688V.
Identifiers: ClinVar variation 865529 (VCV000865529.3), dbSNP rs2050981907, ClinGen allele CA10590494.
Genomic context (GRCh38, chr17:43,047,660, plus strand): 5'-GCAAAAGGACCCCATATAGCACAGGTACATGCAGGCACCTTACCATGGAAGCCATTGTCC[T>A]CTGTCCAGGCATCTGGCTGCACAACCACAATTGGGTGGACACCCTGGATCCCCAGGAAGG-3'
Protein context (NP_009225.1, residues 1807-1827): IVVVQPDAWT[Glu1817Val]DNGFHAIGQM